The following is an entry in ClinVar:

ClinVar aggregate classification (germline): Benign/Likely benign. Review status: criteria provided, multiple submitters, no conflicts (2 of 4 stars). 4 submissions from 4 submitters: Benign (1); Likely benign (3). Last evaluated 2024-04-17.

Conditions:
Hereditary cancer-predisposing syndrome. Also called: Hereditary Cancer Syndrome; Neoplastic Syndromes, Hereditary; Tumor predisposition; Hereditary neoplastic syndrome. Identifiers: Orphanet 140162, MedGen C0027672, MeSH D009386, MONDO:0015356.
Ataxia-telangiectasia syndrome (AT). Also called: Ataxia telangiectasia (A-T); Ataxia-telangiectasia, complementation group E; LOUIS-BAR SYNDROME; Cerebello-oculocutaneous telangiectasia; Immunodeficiency with ataxia telangiectasia; Ataxia-telangiectasia, complementation group D. Identifiers: Orphanet 100, MedGen C0004135, MONDO:0008840, OMIM 208900.
Familial cancer of breast. Also called: Hereditary breast cancer; hereditary breast carcinoma; BREAST CANCER, FAMILIAL. Identifiers: Orphanet 227535, MedGen C0346153, MONDO:0016419, OMIM 114480. Disease mechanism: loss of function.

Allele frequency attached by ClinVar (database versions not stated): gnomAD exomes below 0.00001; TOPMed below 0.00001.
gnomAD v4.1: 1 of 1,613,238 alleles (0.000062%); highest among the groups gnomAD compares: African/African-American, 0.0013%; no homozygotes.

Submissions (4):

Myriad Genetics, Inc.
Classification: Benign for Familial cancer of breast. Last evaluated: 2024-04-17. Review status: criteria provided, single submitter. Criteria: Myriad Autosomal Dominant, Autosomal Recessive and X-Linked Classification Criteria (2023). Collection method: clinical testing. Allele origin: unknown.
Comment: This variant is considered benign. This variant is a silent/synonymous amino acid change and it is not expected to impact splicing.

Labcorp Genetics (formerly Invitae), Labcorp
Classification: Likely benign for Ataxia-telangiectasia syndrome. Last evaluated: 2023-06-07. Review status: criteria provided, single submitter. Criteria: Invitae Variant Classification Sherloc (09022015). Collection method: clinical testing. Allele origin: germline.

Color Diagnostics, LLC DBA Color Health
Classification: Likely benign for Hereditary cancer-predisposing syndrome. Last evaluated: 2018-01-02. Review status: criteria provided, single submitter. Criteria: ACMG Guidelines, 2015. Collection method: clinical testing. Allele origin: germline.

Ambry Genetics
Classification: Likely benign for Hereditary cancer-predisposing syndrome. Last evaluated: 2015-07-13. Review status: criteria provided, single submitter. Criteria: Ambry Variant Classification Scheme 2023. Collection method: clinical testing. Allele origin: germline.

NM_000051.4(ATM):c.147C>T (p.Ser49=)

Gene: ATM (ATM serine/threonine kinase; plus strand). Cytogenetic location: 11q22.3.
Variant type: single nucleotide variant.
Coding change: c.147C>T on transcript NM_000051.4 (MANE Select); coding-DNA position 147, C replaced by T.
Protein change: p.Ser49=; no amino-acid change (serine 49 retained).
Molecular consequence: synonymous variant.
Genome position (GRCh38, 1-based): chr11:108,227,850, C>T. VCF-style: chr11-108227850-C-T. GRCh37 (hg19) VCF-style: chr11-108098577-C-T.
Other names: c.147C>T, p.Ser49= (NM_001351834.2, NM_001351835.2, NM_001351836.2).
Identifiers: ClinVar variation 232861 (VCV000232861.16), dbSNP rs876660033, ClinGen allele CA10578944.
Genomic context (GRCh38, chr11:108,227,850, plus strand): 5'-ATTTAAGCGCCTGATTCGAGATCCTGAAACAATTAAACATCTAGATCGGCATTCAGATTC[C>T]AAACAAGGAAAATATTTGAATTGGGATGCTGTTTTTAGGTATTCTATTCAAATTTATTTT-3'
Protein context (NP_000042.3, residues 39-59): TIKHLDRHSD[Ser49=]KQGKYLNWDA